The following is an entry in ClinVar:

ClinVar aggregate classification (germline): Conflicting classifications of pathogenicity. Review status: criteria provided, conflicting classifications (1 of 4 stars). 3 submissions from 3 submitters: Uncertain significance (2); Likely benign (1). Last evaluated 2025-12-11.

Conditions:
Inborn genetic diseases. Identifiers: MedGen C0950123, MeSH D030342.

Allele frequency attached by ClinVar (database versions not stated): gnomAD 0.00001 and 0.00004; TOPMed 0.00002; gnomAD exomes 0.00003 and 0.00008; ExAC 0.00008; 1000 Genomes Project 30x 0.00016; 1000 Genomes Project 0.00020.
gnomAD v4.1: 44 of 1,613,990 alleles (0.0027%); highest among the groups gnomAD compares: Admixed American, 0.022%; no homozygotes.

Submissions (3):

Ambry Genetics
Classification: Uncertain significance for Inborn genetic diseases. Last evaluated: 2025-12-11. Review status: criteria provided, single submitter. Criteria: Ambry Variant Classification Scheme 2023. Collection method: clinical testing. Allele origin: germline.

Labcorp Genetics (formerly Invitae), Labcorp
Classification: Uncertain significance. Last evaluated: 2025-09-30. Review status: criteria provided, single submitter. Criteria: Invitae Variant Classification Sherloc (09022015). Collection method: clinical testing. Allele origin: germline.
Comment: This sequence change replaces valine, which is neutral and non-polar, with isoleucine, which is neutral and non-polar, at codon 610 of the POLR1A protein (p.Val610Ile). This variant is present in population databases (rs185579866, gnomAD 0.03%). This variant has not been reported in the literature in individuals affected with POLR1A-related conditions. ClinVar contains an entry for this variant (Variation ID: 1410443). Invitae Evidence Modeling of protein sequence and biophysical properties (such as structural, functional, and spatial information, amino acid conservation, physicochemical variation, residue mobility, and thermodynamic stability) indicates that this missense variant is not expected to disrupt POLR1A protein function with a negative predictive value of 80%. In summary, the available evidence is currently insufficient to determine the role of this variant in disease. Therefore, it has been classified as a Variant of Uncertain Significance.

Blueprint Genetics
Classification: Likely benign. Last evaluated: 2021-09-09. Review status: criteria provided, single submitter. Criteria: ACMG Guidelines, 2015. Collection method: clinical testing. Allele origin: germline.

NM_015425.6(POLR1A):c.1828G>A (p.Val610Ile)

Genes: POLR1A (RNA polymerase I subunit A; minus strand), LOC126806264 (MED14-independent group 3 enhancer GRCh37_chr2:86296595-86297794; plus strand). Cytogenetic location: 2p11.2.
Variant type: single nucleotide variant.
Coding change: c.1828G>A on transcript NM_015425.6 (MANE Select); coding-DNA position 1828, G replaced by A.
Protein change: p.Val610Ile; replaces valine 610 with isoleucine.
Molecular consequence: missense variant.
Genome position (GRCh38, 1-based): chr2:86,070,056, C>T on the plus strand (G>A on the coding strand, the complement: POLR1A is on the minus strand). VCF-style: chr2-86070056-C-T. GRCh37 (hg19) VCF-style: chr2-86297179-C-T.
Other names: c.1828G>A (NM_015425.3); short protein forms V610I.
Identifiers: ClinVar variation 1410443 (VCV001410443.10), dbSNP rs185579866, ClinGen allele CA1746243.